The following is an entry in ClinVar:

ClinVar aggregate classification (germline): Uncertain significance. Review status: criteria provided, multiple submitters, no conflicts (2 of 4 stars). 2 submissions from 2 submitters: Uncertain significance (2). Last evaluated 2026-08-13.

Conditions:
Inborn genetic diseases. Identifiers: MedGen C0950123, MeSH D030342.
Developmental and epileptic encephalopathy, 14 (DEE14). Also called: Early infantile epileptic encephalopathy 14. Identifiers: Orphanet 293181, MedGen C3554195, MONDO:0013989, OMIM 614959.
Autosomal dominant nocturnal frontal lobe epilepsy 5. Also called: KCNT1-Related Epilepsy; Epilepsy, nocturnal frontal lobe, 5; CILIARY DYSKINESIA, PRIMARY, 28, WITHOUT SITUS INVERSUS; CILIARY DYSKINESIA, PRIMARY, 28, WITH SITUS INVERSUS. Identifiers: Orphanet 98784, MedGen C3554306, MONDO:0014002, OMIM 615005.

gnomAD v4.1: 3 of 1,602,158 alleles (0.00019%); highest among the groups gnomAD compares: African/African-American, 0.0013%; no homozygotes.

Submissions (2):

Ambry Genetics
Classification: Uncertain significance for Inborn genetic diseases. Last evaluated: 2026-08-13. Review status: criteria provided, single submitter. Criteria: Ambry Variant Classification Scheme 2023. Collection method: clinical testing. Allele origin: germline.
Comment: The c.1323C>A (p.D441E) alteration is located in exon 13 (coding exon 13) of the KCNT1 gene. This alteration results from a C to A substitution at nucleotide position 1323, causing the aspartic acid (D) at amino acid position 441 to be replaced by a glutamic acid (E). Based on data from gnomAD, the A allele has an overall frequency of <0.001% (1/244638) total alleles studied. The highest observed frequency was 0.001% (1/110016) of European (non-Finnish) alleles. Based on insufficient or conflicting evidence, the clinical significance of this alteration remains unclear.

Labcorp Genetics (formerly Invitae), Labcorp
Classification: Uncertain significance for Autosomal dominant nocturnal frontal lobe epilepsy 5; Developmental and epileptic encephalopathy, 14. Last evaluated: 2022-02-01. Review status: criteria provided, single submitter. Criteria: Invitae Variant Classification Sherloc (09022015). Collection method: clinical testing. Allele origin: germline.
Comment: This sequence change replaces aspartic acid, which is acidic and polar, with glutamic acid, which is acidic and polar, at codon 441 of the KCNT1 protein (p.Asp441Glu). This variant is present in population databases (rs368477306, gnomAD 0.0009%). This variant has not been reported in the literature in individuals affected with KCNT1-related conditions. Advanced modeling of protein sequence and biophysical properties (such as structural, functional, and spatial information, amino acid conservation, physicochemical variation, residue mobility, and thermodynamic stability) performed at Invitae indicates that this missense variant is expected to disrupt KCNT1 protein function. In summary, the available evidence is currently insufficient to determine the role of this variant in disease. Therefore, it has been classified as a Variant of Uncertain Significance.

NM_020822.3(KCNT1):c.1323C>A (p.Asp441Glu)

Gene: KCNT1 (potassium sodium-activated channel subfamily T member 1; plus strand). Cytogenetic location: 9q34.3.
Variant type: single nucleotide variant.
Coding change: c.1323C>A on transcript NM_020822.3 (MANE Select); coding-DNA position 1323, C replaced by A.
Protein change: p.Asp441Glu; replaces aspartic acid 441 with glutamic acid.
Molecular consequence: missense variant.
Genome position (GRCh38, 1-based): chr9:135,765,746, C>A. VCF-style: chr9-135765746-C-A. GRCh37 (hg19) VCF-style: chr9-138657592-C-A.
Other names: c.1188C>A, p.Asp396Glu (NM_001272003.2); c.1323C>A (NM_020822.2); short protein forms D441E, D396E.
Identifiers: ClinVar variation 2091362 (VCV002091362.5), dbSNP rs368477306, ClinGen allele CA5326843.